The following is an entry in ClinVar:

NM_006642.5(SDCCAG8):c.263A>G (p.Glu88Gly)

Gene: SDCCAG8 (SHH signaling and ciliogenesis regulator SDCCAG8; plus strand). Cytogenetic location: 1q43.
Variant type: single nucleotide variant.
Coding change: c.263A>G on transcript NM_006642.5 (MANE Select); coding-DNA position 263, A replaced by G.
Protein change: p.Glu88Gly; replaces glutamic acid 88 with glycine.
Molecular consequence: missense variant. On other transcripts: 5 prime UTR variant (4).
Genome position (GRCh38, 1-based): chr1:243,271,020, A>G. VCF-style: chr1-243271020-A-G. GRCh37 (hg19) VCF-style: chr1-243434322-A-G.
Other names: c.-850A>G (NM_001350246.2); c.-738A>G (NM_001350247.2); c.263A>G, p.Glu88Gly (NM_001350248.2); c.-32A>G (NM_001350249.2); c.-1111A>G (NM_001350251.2); c.263A>G (NM_006642.3); short protein forms E88G.
Identifiers: ClinVar variation 2151346 (VCV002151346.3), dbSNP rs770685116, ClinGen allele CA1483250.

ClinVar aggregate classification (germline): Uncertain significance. Review status: criteria provided, single submitter (1 of 4 stars). 2 submissions from 2 submitters: Uncertain significance (1). 1 of the submissions does not count toward it. Last evaluated 2022-05-13.

Conditions:
SDCCAG8-related disorder. Also called: SDCCAG8-related condition; SDCCAG8-Related Disorders.
Senior-Loken syndrome 7 (SLSN7). Identifiers: Orphanet 3156, MedGen C3150877, MONDO:0013326, OMIM 613615.
Bardet-Biedl syndrome 16 (BBS16). Identifiers: Orphanet 110, MedGen C3889474, MONDO:0014444, OMIM 615993.

Allele frequency attached by ClinVar (database versions not stated): ExAC 0.00001; gnomAD exomes 0.00001.
gnomAD v4.1: 17 of 1,613,690 alleles (0.0011%); highest among the groups gnomAD compares: Non-Finnish European, 0.0014%; no homozygotes.

Submissions (2):

Labcorp Genetics (formerly Invitae), Labcorp
Classification: Uncertain significance for Bardet-Biedl syndrome 16; Senior-Loken syndrome 7. Last evaluated: 2022-05-13. Review status: criteria provided, single submitter. Criteria: Invitae Variant Classification Sherloc (09022015). Collection method: clinical testing. Allele origin: germline.
Comment: This sequence change replaces glutamic acid, which is acidic and polar, with glycine, which is neutral and non-polar, at codon 88 of the SDCCAG8 protein (p.Glu88Gly). This variant is present in population databases (rs770685116, gnomAD 0.002%). This variant has not been reported in the literature in individuals affected with SDCCAG8-related conditions. Algorithms developed to predict the effect of missense changes on protein structure and function are either unavailable or do not agree on the potential impact of this missense change (SIFT: "Tolerated"; PolyPhen-2: "Probably Damaging"; Align-GVGD: "Class C0"). In summary, the available evidence is currently insufficient to determine the role of this variant in disease. Therefore, it has been classified as a Variant of Uncertain Significance.

PreventionGenetics, part of Exact Sciences
Classification: Uncertain significance for SDCCAG8-related condition. Last evaluated: 2024-03-21. Review status: no assertion criteria provided. Collection method: clinical testing. Allele origin: germline. Not counted in ClinVar's aggregate classification.
Comment: The SDCCAG8 c.263A>G variant is predicted to result in the amino acid substitution p.Glu88Gly. To our knowledge, this variant has not been reported in the literature. This variant is reported in 0.0018% of alleles in individuals of European (Non-Finnish) descent in gnomAD. At this time, the clinical significance of this variant is uncertain due to the absence of conclusive functional and genetic evidence.